The following is an entry in ClinVar:

ClinVar aggregate classification (germline): Uncertain significance (1 of 4 stars; one submission).

Submission:

Labcorp Genetics (formerly Invitae), Labcorp
Classification: Uncertain significance. Last evaluated: 2023-05-01. Review status: criteria provided, single submitter. Criteria: Invitae Variant Classification Sherloc (09022015). Collection method: clinical testing. Allele origin: germline.
Comment: This sequence change replaces serine, which is neutral and polar, with cysteine, which is neutral and slightly polar, at codon 114 of the LRP6 protein (p.Ser114Cys). This variant is not present in population databases (gnomAD no frequency). This variant has not been reported in the literature in individuals affected with LRP6-related conditions. Advanced modeling of protein sequence and biophysical properties (such as structural, functional, and spatial information, amino acid conservation, physicochemical variation, residue mobility, and thermodynamic stability) performed at Invitae indicates that this missense variant is not expected to disrupt LRP6 protein function. In summary, the available evidence is currently insufficient to determine the role of this variant in disease. Therefore, it has been classified as a Variant of Uncertain Significance.

NM_002336.3(LRP6):c.341C>G (p.Ser114Cys)

Gene: LRP6 (LDL receptor related protein 6; minus strand). Cytogenetic location: 12p13.2.
Variant type: single nucleotide variant.
Coding change: c.341C>G on transcript NM_002336.3 (MANE Select); coding-DNA position 341, C replaced by G.
Protein change: p.Ser114Cys; replaces serine 114 with cysteine.
Molecular consequence: missense variant. On other transcripts: 5 prime UTR variant (2), non-coding transcript variant (1), intron variant (1).
Genome position (GRCh38, 1-based): chr12:12,244,370, G>C on the plus strand (C>G on the coding strand, the complement: LRP6 is on the minus strand). VCF-style: chr12-12244370-G-C. GRCh37 (hg19) VCF-style: chr12-12397304-G-C.
Other names: c.341C>G, p.Ser114Cys (NM_001414255.1, NM_001414249.1, NM_001414250.1 and 6 more transcripts); c.-113C>G (NM_001414253.1); c.-109C>G (NM_001414254.1); c.-5+22311C>G (NM_001414252.1); short protein forms S114C.
Identifiers: ClinVar variation 2989566 (VCV002989566.3), dbSNP rs2499321915, ClinGen allele CA383945103.